The following is an entry in ClinVar:

ClinVar aggregate classification (germline): Conflicting classifications of pathogenicity. Review status: criteria provided, conflicting classifications (1 of 4 stars). 2 submissions from 2 submitters: Uncertain significance (1); Likely benign (1). Last evaluated 2024-02-24.

Conditions:
Nephronophthisis 15 (NPHP15). Identifiers: Orphanet 3156, MedGen C3541853, MONDO:0013917, OMIM 614845.

Allele frequency attached by ClinVar (database versions not stated): gnomAD exomes below 0.00001.
gnomAD v4.1: 1 of 1,613,960 alleles (0.000062%); highest among the groups gnomAD compares: East Asian, 0.0022%; no homozygotes.

Submissions (2):

Labcorp Genetics (formerly Invitae), Labcorp
Classification: Uncertain significance for Nephronophthisis 15. Last evaluated: 2024-02-24. Review status: criteria provided, single submitter. Criteria: Invitae Variant Classification Sherloc (09022015). Collection method: clinical testing. Allele origin: germline.
Comment: This sequence change falls in intron 11 of the CEP164 gene. It does not directly change the encoded amino acid sequence of the CEP164 protein. It affects a nucleotide within the consensus splice site. This variant is present in population databases (no rsID available, gnomAD 0.006%). This variant has not been reported in the literature in individuals affected with CEP164-related conditions. ClinVar contains an entry for this variant (Variation ID: 260474). Variants that disrupt the consensus splice site are a relatively common cause of aberrant splicing (PMID: 17576681, 9536098). Algorithms developed to predict the effect of sequence changes on RNA splicing suggest that this variant is not likely to affect RNA splicing. In summary, the available evidence is currently insufficient to determine the role of this variant in disease. Therefore, it has been classified as a Variant of Uncertain Significance.

PreventionGenetics, part of Exact Sciences
Classification: Likely benign. Review status: criteria provided, single submitter. Criteria: ACMG Guidelines, 2015. Collection method: clinical testing. Allele origin: germline.

Literature cited by the submitters: PubMed 17576681 (cited by Labcorp Genetics (formerly Invitae), Labcorp); PubMed 9536098 (cited by Labcorp Genetics (formerly Invitae), Labcorp).

NM_014956.5(CEP164):c.1317+3G>A

Gene: CEP164 (centrosomal protein 164; plus strand). Cytogenetic location: 11q23.3.
Variant type: single nucleotide variant.
Coding change: c.1317+3G>A on transcript NM_014956.5 (MANE Select); 3 bases into the intron after coding-DNA position 1317, G replaced by A.
Molecular consequence: intron variant.
Genome position (GRCh38, 1-based): chr11:117,375,794, G>A. VCF-style: chr11-117375794-G-A. GRCh37 (hg19) VCF-style: chr11-117246510-G-A.
Other names: c.1317+3G>A (NM_001271933.2).
Identifiers: ClinVar variation 260474 (VCV000260474.9), dbSNP rs886038607, ClinGen allele CA10587106.
Genomic context (GRCh38, chr11:117,375,794, plus strand): 5'-GGAGCACCTGCTGGATGTTGATGTGCTTTCCCCAGTCCTGGGTGGAGCTTGTCGGCAGGT[G>A]AGTTTCTGTGGGTGGTGGGCTGAGCTGGGGCCTCATTTTCCCTCACAACTTTTTCGGATG-3'